The following is an entry in ClinVar:

ClinVar aggregate classification (germline): Uncertain significance (1 of 4 stars; one submission).

Conditions:
Purine-nucleoside phosphorylase deficiency. Also called: Immunodeficiency due to purine nucleoside phosphorylase deficiency; NUCLEOSIDE PHOSPHORYLASE DEFICIENCY. Identifiers: Orphanet 760, MedGen C0268125, MONDO:0013171, OMIM 613179.

Allele frequency attached by ClinVar (database versions not stated): gnomAD exomes 0.00001; ExAC 0.00002.
gnomAD v4.1: 26 of 1,614,134 alleles (0.0016%); highest among the groups gnomAD compares: Admixed American, 0.0033%; no homozygotes.

Submission:

Labcorp Genetics (formerly Invitae), Labcorp
Classification: Uncertain significance for Purine-nucleoside phosphorylase deficiency. Last evaluated: 2022-09-13. Review status: criteria provided, single submitter. Criteria: Invitae Variant Classification Sherloc (09022015). Collection method: clinical testing. Allele origin: germline.
Comment: This sequence change replaces arginine, which is basic and polar, with histidine, which is basic and polar, at codon 133 of the PNP protein (p.Arg133His). This variant is present in population databases (rs761480383, gnomAD 0.003%). This variant has not been reported in the literature in individuals affected with PNP-related conditions. ClinVar contains an entry for this variant (Variation ID: 1054441). Advanced modeling of protein sequence and biophysical properties (such as structural, functional, and spatial information, amino acid conservation, physicochemical variation, residue mobility, and thermodynamic stability) performed at Invitae indicates that this missense variant is not expected to disrupt PNP protein function. In summary, the available evidence is currently insufficient to determine the role of this variant in disease. Therefore, it has been classified as a Variant of Uncertain Significance.

NM_000270.4(PNP):c.398G>A (p.Arg133His)

Gene: PNP (purine nucleoside phosphorylase; plus strand). Cytogenetic location: 14q11.2.
Variant type: single nucleotide variant.
Coding change: c.398G>A on transcript NM_000270.4 (MANE Select); coding-DNA position 398, G replaced by A.
Protein change: p.Arg133His; replaces arginine 133 with histidine.
Molecular consequence: missense variant.
Genome position (GRCh38, 1-based): chr14:20,474,885, G>A. VCF-style: chr14-20474885-G-A. GRCh37 (hg19) VCF-style: chr14-20943044-G-A.
Other names: short protein forms R133H.
Identifiers: ClinVar variation 1054441 (VCV001054441.6), dbSNP rs761480383, ClinGen allele CA7082110.